The following is an entry in ClinVar:

ClinVar aggregate classification (germline): Pathogenic (1 of 4 stars; one submission).

Conditions:
Multiple acyl-CoA dehydrogenase deficiency (MADD). Also called: Glutaric acidemia type II; GA 2; Glutaric aciduria, type 2; ETHYLMALONIC-ADIPICACIDURIA; GA II; Glutaric Acidemia type 2. Identifiers: Orphanet 26791, MedGen C0268596, MONDO:0009282, OMIM 231680.

Submission:

Labcorp Genetics (formerly Invitae), Labcorp
Classification: Pathogenic for Multiple acyl-CoA dehydrogenase deficiency. Last evaluated: 2023-06-20. Review status: criteria provided, single submitter. Criteria: Invitae Variant Classification Sherloc (09022015). Collection method: clinical testing. Allele origin: germline.
Comment: This variant is a gross deletion of the genomic region encompassing exon(s) 6-9 of the ETFDH gene. This variant would be expected to be in-frame, preserving the integrity of the reading frame. This variant has not been reported in the literature in individuals affected with ETFDH-related conditions. This variant disrupts a region of the ETFDH protein in which other variant(s) (p.Val291Gly) have been determined to be pathogenic (PMID: 19758981). This suggests that this is a clinically significant region of the protein, and that variants that disrupt it are likely to be disease-causing. For these reasons, this variant has been classified as Pathogenic.

Literature cited by the submitters: PubMed 19758981.

NC_000004.11:g.(?_159611480)_(159620302_?)del

Gene: ETFDH (electron transfer flavoprotein dehydrogenase; plus strand). Cytogenetic location: 4q32.1.
Variant type: Deletion.
Identifiers: ClinVar variation 1459947 (VCV001459947.5).